The following is an entry in ClinVar:

ClinVar aggregate classification (germline): Pathogenic (1 of 4 stars; one submission).

Conditions:
Glycine encephalopathy. Also called: Non-ketotic hyperglycinemia; Nonketotic hyperglycinemia. Identifiers: Orphanet 407, MedGen C0751748, MONDO:0011612, HP:0008288.

Submission:

Labcorp Genetics (formerly Invitae), Labcorp
Classification: Pathogenic for Non-ketotic hyperglycinemia. Last evaluated: 2018-11-09. Review status: criteria provided, single submitter. Criteria: Invitae Variant Classification Sherloc (09022015). Collection method: clinical testing. Allele origin: germline.
Comment: This variant is a gross deletion of the genomic region encompassing exons 1-4 of the GLDC gene, which includes the initiator codon. The 5' end of this event is unknown as it extends beyond the assayed region for this gene and therefore may encompass additional genes. The 3' boundary is likely confined to intron 4 of the GLDC gene. This is expected to result in an absent or disrupted protein product. A deletion encompassing GLDC exons 1-4 has been observed as homozygous in an individual affected with glycine encephalopathyÂ¬â€ (PMID:Â¬â€ 26179960). Loss-of-function variants in GLDC are known to be pathogenic (PMID: 16601880). For these reasons, this variant has been classified as Pathogenic.

NC_000009.12:g.(?_6610172)_(6645519_?)del

Genes: GLDC (glycine decarboxylase; minus strand), LOC130001538 (ATAC-STARR-seq lymphoblastoid active region 28191; plus strand). Cytogenetic location: 9p24.1.
Variant type: Deletion.
Identifiers: ClinVar variation 662293 (VCV000662293.1).